The following is an entry in ClinVar:

ClinVar aggregate classification (germline): Conflicting classifications of pathogenicity. Review status: criteria provided, conflicting classifications (1 of 4 stars). 17 submissions from 17 submitters: Uncertain significance (13); Likely benign (1). 3 of the submissions do not count toward it. Last evaluated 2026-02-11.

Conditions:
ATM-related disorder. Also called: ATM-related disorders; ATM-related condition.
Hereditary cancer-predisposing syndrome. Also called: Neoplastic Syndromes, Hereditary; Tumor predisposition; Hereditary neoplastic syndrome; Hereditary Cancer Syndrome. Identifiers: Orphanet 140162, MedGen C0027672, MeSH D009386, MONDO:0015356.
Breast and/or ovarian cancer. Identifiers: MedGen CN221562.
Familial cancer of breast. Also called: Hereditary breast cancer; BREAST CANCER, FAMILIAL; hereditary breast carcinoma. Identifiers: Orphanet 227535, MedGen C0346153, MONDO:0016419, OMIM 114480. Disease mechanism: loss of function.
Ataxia-telangiectasia syndrome (AT). Also called: Cerebello-oculocutaneous telangiectasia; Immunodeficiency with ataxia telangiectasia; AT, COMPLEMENTATION GROUP C; LOUIS-BAR SYNDROME; Ataxia-telangiectasia, complementation group E; ATAXIA-TELANGIECTASIA, COMPLEMENTATION GROUP A. Identifiers: Orphanet 100, MedGen C0004135, MONDO:0008840, OMIM 208900.
Hereditary breast ovarian cancer syndrome. Also called: Hereditary breast and/or ovarian cancer syndrome; Hereditary breast and ovarian cancer syndrome; Hereditary breast and ovarian cancer; Hereditary breast and ovarian cancer syndrome (HBOC); Breast and ovarian cancer; BRCA1- and BRCA2-Associated Hereditary Breast and Ovarian Cancer. Identifiers: Orphanet 145, MedGen C0677776, MeSH D061325, MONDO:0003582. Disease mechanism: loss of function.

Allele frequency attached by ClinVar (database versions not stated): gnomAD 0.00002 and 0.00003; ExAC 0.00003; TOPMed 0.00003; gnomAD exomes 0.00005.
gnomAD v4.1: 80 of 1,609,484 alleles (0.005%); highest among the groups gnomAD compares: East Asian, 0.06%; no homozygotes.

Submissions (17):

St. Jude Molecular Pathology, St. Jude Children's Research Hospital
Classification: Uncertain significance for Ataxia-telangiectasia syndrome. Last evaluated: 2026-02-11. Review status: criteria provided, single submitter. Criteria: St. Jude Assertion Criteria 2020. Collection method: clinical testing. Allele origin: germline.
Comment: The ATM c.2159G>A p.(Arg720His) missense change has a maximum subpopulation frequency of 0.03% in gnomAD v2.1.1. The in silico tool REVEL predicts a benign effect on protein function, but to our knowledge this prediction has not been confirmed by functional studies. To our knowledge, this variant has not been reported in individuals with ataxia telangiectasia. In summary, the evidence currently available is insufficient to determine the clinical significance of this variant. It has therefore been classified as of uncertain significance.

Labcorp Genetics (formerly Invitae), Labcorp
Classification: Uncertain significance for Ataxia-telangiectasia syndrome. Last evaluated: 2026-01-18. Review status: criteria provided, single submitter. Criteria: Invitae Variant Classification Sherloc (09022015). Collection method: clinical testing. Allele origin: germline.
Comment: This sequence change replaces arginine, which is basic and polar, with histidine, which is basic and polar, at codon 720 of the ATM protein (p.Arg720His). This variant is present in population databases (rs55830714, gnomAD 0.03%). This missense change has been observed in individual(s) with breast cancer, melanoma, ovarian cancer, and/or urothelial cancer (PMID: 20305132, 28779002, 30287823, 32068069, 33588785, 34262154). ClinVar contains an entry for this variant (Variation ID: 181924). Invitae Evidence Modeling of protein sequence and biophysical properties (such as structural, functional, and spatial information, amino acid conservation, physicochemical variation, residue mobility, and thermodynamic stability) indicates that this missense variant is not expected to disrupt ATM protein function with a negative predictive value of 95%. In summary, the available evidence is currently insufficient to determine the role of this variant in disease. Therefore, it has been classified as a Variant of Uncertain Significance.

PreventionGenetics, part of Exact Sciences
Classification: Uncertain significance for ATM-related condition. Last evaluated: 2025-12-19. Review status: criteria provided, single submitter. Criteria: ACMG Guidelines, 2015. Collection method: clinical testing. Allele origin: germline.
Comment: The ATM c.2159G>A variant is predicted to result in the amino acid substitution p.Arg720His. This variant has been reported in individuals with breast and/or ovarian cancer (Table S2, Berstein et al. 2010. PubMed: 20305132; Table S5, Decker et al. 2017. PubMed ID: 28779002; Table S1, Kwong et al. 2020. PubMed ID: 32068069). It has been reported in a urothelial carcinoma specimen (Additional Data 3, Yang et al. 2021. PubMed ID: 33588785) and a melanoma cohort study (Supplement, Dalmasso et al. 2021. PubMed ID: 34262154). It has also been reported in cases and controls from a breast cancer cohort study and a prostate cancer cohort study (Supplement, Momozawa et al. 2018. PubMed ID: 30287823; Supplement, Momozawa et al. 2020. PubMed ID: 31214711). This variant is reported in 0.025% of alleles in individuals of East Asian descent in gnomAD and is interpreted as uncertain significance in ClinVar (Variation ID: 181924). At this time, the clinical significance of this variant is uncertain due to the absence of conclusive functional and genetic evidence.

Quest Diagnostics Nichols Institute San Juan Capistrano
Classification: Uncertain significance. Last evaluated: 2025-10-09. Review status: criteria provided, single submitter. Criteria: Quest Diagnostics criteria. Collection method: clinical testing. Allele origin: unknown.

GeneDx
Classification: Uncertain significance. Last evaluated: 2025-07-10. Review status: criteria provided, single submitter. Criteria: GeneDx Variant Classification Process June 2021. Collection method: clinical testing. Allele origin: germline. Affected: yes.
Comment: Observed in individuals with breast and prostate cancer but also seen in controls (PMID: 28779002, 30287823, 31214711, 34262154, 33471991); In silico analysis suggests that this missense variant does not alter protein structure/function; This variant is associated with the following publications: (PMID: 35218119, 36243179, 19781682, 25428177, 27284491, 28415633, 22529920, 28779002, 25925381, 30287823, 33471991, 29338689, 34262154, 33588785, 32566746, 31214711, 20305132, 32068069, 28743247)

Center for Genomic Medicine, Rigshospitalet, Copenhagen University Hospital
Classification: Uncertain significance. Last evaluated: 2025-03-04. Review status: criteria provided, single submitter. Criteria: ACMG Guidelines, 2015. Collection method: clinical testing. Allele origin: germline.

Molecular Pathology, Peter Maccallum Cancer Centre
Classification: Uncertain significance for Ataxia-telangiectasia syndrome. Last evaluated: 2024-12-02. Review status: criteria provided, single submitter. Criteria: ACMG Guidelines, 2015. Collection method: clinical testing. Allele origin: germline. Inheritance: Autosomal recessive inheritance.

Ambry Genetics
Classification: Likely benign for Hereditary cancer-predisposing syndrome. Last evaluated: 2024-11-05. Review status: criteria provided, single submitter. Criteria: Ambry Variant Classification Scheme 2023. Collection method: clinical testing. Allele origin: germline.

Fulgent Genetics
Classification: Uncertain significance for Familial cancer of breast; Ataxia-telangiectasia syndrome. Last evaluated: 2024-03-28. Review status: criteria provided, single submitter. Criteria: ACMG Guidelines, 2015. Collection method: clinical testing. Allele origin: germline.

Color Diagnostics, LLC DBA Color Health
Classification: Uncertain significance for Hereditary cancer-predisposing syndrome. Last evaluated: 2024-03-06. Review status: criteria provided, single submitter. Criteria: ACMG Guidelines, 2015. Collection method: clinical testing. Allele origin: germline.
Comment: This missense variant replaces arginine with histidine at codon 720 of the ATM protein. Computational prediction tools and conservation analyses suggest that this variant may not impact protein structure and function. To our knowledge, functional studies have not been performed for this variant. This variant has been reported in individuals affected with breast cancer (PMID: 20305132) including three case-control studies (PMID: 28743247, 30287823, 33471991). In the first case-control study conducted in the UK, this variant was reported in 1/13087 breast cancer cases and absent in 5488 controls (PMID: 28743247). In a second case-control study with Japanese participants, this variant was reported in 10/7051 female breast cancer cases, 28/11241 female controls (OR=0.569, 95%CI 0.2 to 1.2), 0/53 male breast cancer cases, and 19/12490 male controls (PMID: 30287823). A third case-control meta-analysis included participants from multiple countries and reported this variant in 9/60457 breast cancer cases and 8/53453 controls (OR=0.995, 95%CI 0.384 to 2.578, p-value=1; PMID: 33471991). This variant has also been reported in a cohort of individuals affected with melanoma (PMID: 34262154). This variant has been identified in 15/282402 chromosomes in the general population by the Genome Aggregation Database (gnomAD). The available evidence is insufficient to determine the role of this variant in disease conclusively. Therefore, this variant is classified as a Variant of Uncertain Significance.

Women's Health and Genetics/Laboratory Corporation of America, LabCorp
Classification: Uncertain significance. Last evaluated: 2022-08-01. Review status: criteria provided, single submitter. Criteria: LabCorp Variant Classification Summary - May 2015. Collection method: clinical testing. Allele origin: germline.
Comment: Variant summary: ATM c.2159G>A (p.Arg720His) results in a non-conservative amino acid change in the encoded protein sequence. Three of five in-silico tools predict a benign effect of the variant on protein function. The variant allele was found at a frequency of 0.0002 in 298502 control chromosomes (gnomAD). This frequency is not higher than expected for a pathogenic variant in ATM causing Breast Cancer (0.0002 vs 0.001), allowing no conclusion about variant significance. c.2159G>A has been reported in the literature in individuals affected with Breast Cancer/or Ovarian cancer (examples: Bernstein_2010, Momozawa_2018, Kwong_2020, Dalmasso_2021 and Dorling_2021) but also in unaffected controls (examples: Momozawa_2018,and Dorling_2021). These reports do not provide unequivocal conclusions about association of the variant with Breast Cancer. To our knowledge, no experimental evidence demonstrating an impact on protein function has been reported. Eight clinical diagnostic laboratories have submitted clinical-significance assessments for this variant to ClinVar after 2014 and all classified the variant as uncertain significance. Based on the evidence outlined above, the variant was classified as uncertain significance.

CHEO Genetics Diagnostic Laboratory, Children's Hospital of Eastern Ontario
Classification: Uncertain significance for Breast and/or ovarian cancer. Last evaluated: 2019-11-01. Review status: criteria provided, single submitter. Criteria: ACMG Guidelines, 2015. Collection method: clinical testing. Allele origin: germline.

Mendelics
Classification: Uncertain significance for Ataxia-telangiectasia syndrome. Last evaluated: 2019-05-28. Review status: criteria provided, single submitter. Criteria: Mendelics Assertion Criteria 2017. Collection method: clinical testing. Allele origin: unknown.

Cancer Genomics Group, Japanese Foundation For Cancer Research
Classification: Uncertain significance for Hereditary breast and ovarian cancer syndrome. Last evaluated: 2019-05-01. Review status: criteria provided, single submitter. Criteria: ACMG Guidelines, 2015. Collection method: research. Allele origin: germline. Affected: yes.

Natera, Inc.
Classification: Uncertain significance for Ataxia-telangiectasia. Last evaluated: 2020-02-24. Review status: no assertion criteria provided. Collection method: clinical testing. Allele origin: germline. Not counted in ClinVar's aggregate classification.

Clinical Genetics Laboratory, Department of Pathology, Netherlands Cancer Institute
Classification: Likely benign. Review status: no assertion criteria provided. Collection method: clinical testing. Allele origin: germline. Affected: yes. Study: VKGL Data-share Consensus. Not counted in ClinVar's aggregate classification.

Joint Genome Diagnostic Labs from Nijmegen and Maastricht, Radboudumc and MUMC+
Classification: Likely benign. Review status: no assertion criteria provided. Collection method: clinical testing. Allele origin: germline. Affected: yes. Study: VKGL Data-share Consensus. Not counted in ClinVar's aggregate classification.

Literature cited by the submitters: PubMed 20305132 (cited by 3 submitters); PubMed 28779002 (cited by 3 submitters); PubMed 30287823 (cited by 5 submitters); PubMed 32068069 (cited by 3 submitters); PubMed 33588785 (cited by Labcorp Genetics (formerly Invitae), Labcorp and Women's Health and Genetics/Laboratory Corporation of America, LabCorp); PubMed 34262154 (cited by 3 submitters); PubMed 31214711 (cited by Center for Genomic Medicine, Rigshospitalet, Copenhagen University Hospital and Ambry Genetics); PubMed 28743247 (cited by Color Diagnostics, LLC DBA Color Health); PubMed 33471991 (cited by Color Diagnostics, LLC DBA Color Health and Women's Health and Genetics/Laboratory Corporation of America, LabCorp).

NM_000051.4(ATM):c.2159G>A (p.Arg720His)

Gene: ATM (ATM serine/threonine kinase; plus strand). Cytogenetic location: 11q22.3.
Variant type: single nucleotide variant.
Coding change: c.2159G>A on transcript NM_000051.4 (MANE Select); coding-DNA position 2159, G replaced by A.
Protein change: p.Arg720His; replaces arginine 720 with histidine.
Molecular consequence: missense variant.
Genome position (GRCh38, 1-based): chr11:108,256,249, G>A. VCF-style: chr11-108256249-G-A. GRCh37 (hg19) VCF-style: chr11-108126976-G-A.
Other names: p.R720H:CGT>CAT; c.2159G>A, p.Arg720His (NM_001351834.2); short protein forms R720H.
Identifiers: ClinVar variation 181924 (VCV000181924.45), dbSNP rs55830714, ClinGen allele CA298156.